The following is an entry in ClinVar:

NM_000240.4(MAOA):c.2T>C (p.Met1Thr)

Gene: MAOA (monoamine oxidase A; plus strand). Cytogenetic location: Xp11.3.
Variant type: single nucleotide variant.
Coding change: c.2T>C on transcript NM_000240.4 (MANE Select); coding-DNA position 2, T replaced by C.
Protein change: p.Met1Thr; changes the start codon (methionine 1).
Molecular consequence: missense variant, initiator codon variant. On other transcripts: 5 prime UTR variant (1).
Genome position (GRCh38, 1-based): chrX:43,656,343, T>C. VCF-style: chrX-43656343-T-C. GRCh37 (hg19) VCF-style: chrX-43515591-T-C.
Other names: c.-506T>C (NM_001270458.2); short protein forms M1T.
Identifiers: ClinVar variation 3711507 (VCV003711507.2).

ClinVar aggregate classification (germline): Uncertain significance (1 of 4 stars; one submission).

Conditions:
Brunner syndrome (BRNRS). Identifiers: Orphanet 3057, MedGen C0796275, MONDO:0010379, OMIM 300615.

Submission:

Labcorp Genetics (formerly Invitae), Labcorp
Classification: Uncertain significance for Brunner syndrome. Last evaluated: 2024-06-27. Review status: criteria provided, single submitter. Criteria: Invitae Variant Classification Sherloc (09022015). Collection method: clinical testing. Allele origin: germline.
Comment: This sequence change affects the initiator methionine of the MAOA mRNA. The next in-frame methionine is located at codon 13. This variant is not present in population databases (gnomAD no frequency). This variant has not been reported in the literature in individuals affected with MAOA-related conditions. Experimental studies and prediction algorithms are not available or were not evaluated, and the functional significance of this variant is currently unknown. In summary, the available evidence is currently insufficient to determine the role of this variant in disease. Therefore, it has been classified as a Variant of Uncertain Significance.